The following is an entry in ClinVar:

NM_203447.4(DOCK8):c.1455C>G (p.Phe485Leu)

Gene: DOCK8 (dedicator of cytokinesis 8; plus strand). Cytogenetic location: 9p24.3.
Variant type: single nucleotide variant.
Coding change: c.1455C>G on transcript NM_203447.4 (MANE Select); coding-DNA position 1455, C replaced by G.
Protein change: p.Phe485Leu; replaces phenylalanine 485 with leucine.
Molecular consequence: missense variant.
Genome position (GRCh38, 1-based): chr9:339,038, C>G. VCF-style: chr9-339038-C-G. GRCh37 (hg19) VCF-style: chr9-339038-C-G.
Other names: c.1251C>G, p.Phe417Leu (NM_001190458.2, NM_001193536.2); short protein forms F417L, F485L.
Identifiers: ClinVar variation 2825975 (VCV002825975.3), dbSNP rs1243649740, ClinGen allele CA372754650.

ClinVar aggregate classification (germline): Uncertain significance (1 of 4 stars; one submission).

Conditions:
Combined immunodeficiency due to DOCK8 deficiency (HIES2). Also called: DOCK8 Deficiency; HIES autosomal recessive; HYPER-IgE SYNDROME 2, AUTOSOMAL RECESSIVE, WITH RECURRENT INFECTIONS; Hyper-IgE recurrent infection syndrome, autosomal recessive; HYPER-IgE RECURRENT INFECTION SYNDROME 2, AUTOSOMAL RECESSIVE. Identifiers: Orphanet 217390, MedGen C4722305, MONDO:0009478, OMIM 243700.

Allele frequency attached by ClinVar (database versions not stated): gnomAD 0.00001.
gnomAD v4.1: 1 of 1,614,002 alleles (0.000062%); highest among the groups gnomAD compares: African/African-American, 0.0013%; no homozygotes.

Submission:

Labcorp Genetics (formerly Invitae), Labcorp
Classification: Uncertain significance for Combined immunodeficiency due to DOCK8 deficiency. Last evaluated: 2023-05-01. Review status: criteria provided, single submitter. Criteria: Invitae Variant Classification Sherloc (09022015). Collection method: clinical testing. Allele origin: germline.
Comment: In summary, the available evidence is currently insufficient to determine the role of this variant in disease. Therefore, it has been classified as a Variant of Uncertain Significance. Advanced modeling of protein sequence and biophysical properties (such as structural, functional, and spatial information, amino acid conservation, physicochemical variation, residue mobility, and thermodynamic stability) performed at Invitae indicates that this missense variant is not expected to disrupt DOCK8 protein function. This variant has not been reported in the literature in individuals affected with DOCK8-related conditions. The frequency data for this variant in the population databases is considered unreliable, as metrics indicate poor data quality at this position in the gnomAD database. This sequence change replaces phenylalanine, which is neutral and non-polar, with leucine, which is neutral and non-polar, at codon 485 of the DOCK8 protein (p.Phe485Leu).